The following is an entry in ClinVar:

ClinVar aggregate classification (germline): Uncertain significance (1 of 4 stars; one submission).

Conditions:
Congenital myasthenic syndrome 18. Also called: MYASTHENIC SYNDROME, CONGENITAL, 18, WITH INTELLECTUAL DISABILITY AND ATAXIA. Identifiers: Orphanet 590, MedGen C4225364, MONDO:0014590, OMIM 616330.

Submission:

Labcorp Genetics (formerly Invitae), Labcorp
Classification: Uncertain significance for Congenital myasthenic syndrome 18. Last evaluated: 2021-04-19. Review status: criteria provided, single submitter. Criteria: Invitae Variant Classification Sherloc (09022015). Collection method: clinical testing. Allele origin: germline.
Comment: A gross deletion of the genomic region encompassing the full coding sequence of the SNAP25 gene has been identified. The current clinical and genetic evidence is not sufficient to establish whether loss-of-function variants in SNAP25 cause disease. The boundaries of this event are unknown as they extend beyond the assayed region for this gene and therefore may encompass additional genes. This variant has not been reported in the literature in individuals with SNAP25-related conditions. In summary, the available evidence is currently insufficient to determine the role of this variant in disease. Therefore, it has been classified as a Variant of Uncertain Significance.

NC_000020.10:g.(?_10256140)_(10286845_?)del

Gene: SNAP25 (synaptosome associated protein 25; plus strand). Cytogenetic location: 20p12.2.
Variant type: Deletion.
Identifiers: ClinVar variation 1441640 (VCV001441640.3).